The following is an entry in ClinVar:

ClinVar aggregate classification (germline): Likely benign. Review status: criteria provided, multiple submitters, no conflicts (2 of 4 stars). 6 submissions from 6 submitters: Likely benign (5). 1 of the submissions does not count toward it. Last evaluated 2025-07-22.

Conditions:
Hereditary cancer-predisposing syndrome. Also called: Hereditary Cancer Syndrome; Neoplastic Syndromes, Hereditary; Tumor predisposition; Hereditary neoplastic syndrome. Identifiers: Orphanet 140162, MedGen C0027672, MeSH D009386, MONDO:0015356.
Familial cancer of breast. Also called: BREAST CANCER, FAMILIAL; Hereditary breast cancer; hereditary breast carcinoma. Identifiers: Orphanet 227535, MedGen C0346153, MONDO:0016419, OMIM 114480. Disease mechanism: loss of function.
Ataxia-telangiectasia syndrome (AT). Also called: Ataxia-telangiectasia, complementation group D; AT, COMPLEMENTATION GROUP C; ATAXIA-TELANGIECTASIA, COMPLEMENTATION GROUP A; ATAXIA-TELANGIECTASIA, FRESNO VARIANT; Ataxia-telangiectasia; LOUIS-BAR SYNDROME. Identifiers: Orphanet 100, MedGen C0004135, MONDO:0008840, OMIM 208900.

Allele frequency attached by ClinVar (database versions not stated): gnomAD exomes below 0.00001; TOPMed below 0.00001; gnomAD 0.00001.
gnomAD v4.1: 2 of 1,612,660 alleles (0.00012%); highest among the groups gnomAD compares: Non-Finnish European, 0.00017%; no homozygotes.

Submissions (6):

Labcorp Genetics (formerly Invitae), Labcorp
Classification: Likely benign for Ataxia-telangiectasia syndrome. Last evaluated: 2025-07-22. Review status: criteria provided, single submitter. Criteria: Invitae Variant Classification Sherloc (09022015). Collection method: clinical testing. Allele origin: germline.

Myriad Genetics, Inc.
Classification: Likely benign for Familial cancer of breast. Last evaluated: 2024-05-21. Review status: criteria provided, single submitter. Criteria: Myriad Autosomal Dominant, Autosomal Recessive and X-Linked Classification Criteria (2023). Collection method: clinical testing. Allele origin: unknown.
Comment: This variant is considered likely benign. This variant is intronic and is not expected to impact mRNA splicing.

Ambry Genetics
Classification: Likely benign for Hereditary cancer-predisposing syndrome. Last evaluated: 2021-02-27. Review status: criteria provided, single submitter. Criteria: Ambry Variant Classification Scheme 2023. Collection method: clinical testing. Allele origin: germline.

Color Diagnostics, LLC DBA Color Health
Classification: Likely benign for Hereditary cancer-predisposing syndrome. Last evaluated: 2019-11-25. Review status: criteria provided, single submitter. Criteria: ACMG Guidelines, 2015. Collection method: clinical testing. Allele origin: germline.

GeneDx
Classification: Likely benign. Last evaluated: 2015-12-21. Review status: criteria provided, single submitter. Criteria: GeneDx Variant Classification (06012015). Collection method: clinical testing. Allele origin: germline. Affected: yes.
Comment: This variant is considered likely benign or benign based on one or more of the following criteria: it is a conservative change, it occurs at a poorly conserved position in the protein, it is predicted to be benign by multiple in silico algorithms, and/or has population frequency not consistent with disease.

Counsyl
Classification: Uncertain significance for Ataxia-telangiectasia syndrome. Last evaluated: 2017-11-30. Review status: no assertion criteria provided. Collection method: clinical testing. Allele origin: unknown. Not counted in ClinVar's aggregate classification.

NM_000051.4(ATM):c.4910-4C>T

Gene: ATM (ATM serine/threonine kinase; plus strand). Cytogenetic location: 11q22.3.
Variant type: single nucleotide variant.
Coding change: c.4910-4C>T on transcript NM_000051.4 (MANE Select); 4 bases into the intron before coding-DNA position 4910, C replaced by T.
Molecular consequence: intron variant.
Genome position (GRCh38, 1-based): chr11:108,297,283, C>T. VCF-style: chr11-108297283-C-T. GRCh37 (hg19) VCF-style: chr11-108168010-C-T.
Other names: c.4910-4C>T (NM_001351834.2).
Identifiers: ClinVar variation 185836 (VCV000185836.20), dbSNP rs786202493, ClinGen allele CA193116.